The following is an entry in ClinVar:

ClinVar aggregate classification (germline): Uncertain significance (1 of 4 stars; one submission).

Allele frequency attached by ClinVar (database versions not stated): gnomAD exomes below 0.00001; TOPMed below 0.00001; gnomAD 0.00001.
gnomAD v4.1: 2 of 1,613,384 alleles (0.00012%); highest among the groups gnomAD compares: Non-Finnish European, 0.00017%; no homozygotes.

Submission:

Labcorp Genetics (formerly Invitae), Labcorp
Classification: Uncertain significance. Last evaluated: 2021-05-31. Review status: criteria provided, single submitter. Criteria: Invitae Variant Classification Sherloc (09022015). Collection method: clinical testing. Allele origin: germline.
Comment: In summary, the available evidence is currently insufficient to determine the role of this variant in disease. Therefore, it has been classified as a Variant of Uncertain Significance. Nucleotide substitutions within the consensus splice site are a relatively common cause of aberrant splicing (PMID: 17576681, 9536098). Algorithms developed to predict the effect of sequence changes on RNA splicing suggest that this variant may disrupt the consensus splice site, but this prediction has not been confirmed by published transcriptional studies. This sequence change falls in intron 11 of the TAOK2 gene. It does not directly change the encoded amino acid sequence of the TAOK2 protein. It affects a nucleotide within the consensus splice site of the intron. This variant is not present in population databases (ExAC no frequency). This variant has not been reported in the literature in individuals with TAOK2-related conditions.

Literature cited by the submitters: PubMed 17576681; PubMed 9536098.

NM_016151.4(TAOK2):c.999+6C>A

Gene: TAOK2 (TAO kinase 2; plus strand). Cytogenetic location: 16p11.2.
Variant type: single nucleotide variant.
Coding change: c.999+6C>A on transcript NM_016151.4 (MANE Select); 6 bases into the intron after coding-DNA position 999, C replaced by A.
Molecular consequence: intron variant.
Genome position (GRCh38, 1-based): chr16:29,982,907, C>A. VCF-style: chr16-29982907-C-A. GRCh37 (hg19) VCF-style: chr16-29994228-C-A.
Other names: c.999+6C>A (NM_004783.4, NM_001252043.2).
Identifiers: ClinVar variation 1419628 (VCV001419628.6), dbSNP rs1192989288, ClinGen allele CA622165732.